The following is an entry in ClinVar:

ClinVar aggregate classification (germline): Benign (1 of 4 stars; one submission).

Allele frequency attached by ClinVar (database versions not stated): gnomAD 0.47965.

Submission:

GeneDx
Classification: Benign. Last evaluated: 2018-06-14. Review status: criteria provided, single submitter. Criteria: GeneDx Variant Classification (06012015). Collection method: clinical testing. Allele origin: germline. Affected: yes.
Comment: This variant is considered likely benign or benign based on one or more of the following criteria: it is a conservative change, it occurs at a poorly conserved position in the protein, it is predicted to be benign by multiple in silico algorithms, and/or has population frequency not consistent with disease.

NM_000744.7(CHRNA4):c.384-184A>G

Gene: CHRNA4 (cholinergic receptor nicotinic alpha 4 subunit; minus strand). Cytogenetic location: 20q13.33.
Variant type: single nucleotide variant.
Coding change: c.384-184A>G on transcript NM_000744.7 (MANE Select); 184 bases into the intron before coding-DNA position 384, A replaced by G.
Molecular consequence: intron variant.
Genome position (GRCh38, 1-based): chr20:63,351,211, T>C on the plus strand (A>G on the coding strand, the complement: CHRNA4 is on the minus strand). VCF-style: chr20-63351211-T-C. GRCh37 (hg19) VCF-style: chr20-61982563-T-C.
Other names: c.-145-184A>G (NM_001256573.2).
Identifiers: ClinVar variation 679907 (VCV000679907.1), dbSNP rs8115455, ClinGen allele CA317436945.
Genomic context (GRCh38, chr20:63,351,211, plus strand): 5'-CCACGCCCACATCCACGTCCACGCCCACATCCATGTCCCACGCCCACATCCACACCCACG[T>C]CCACGTCCACGCCCACATCCACACCCACGTCCACGTCCACGTCCACGTCCACACACAGAG-3'